The following is an entry in ClinVar:

ClinVar aggregate classification (germline): Likely pathogenic. Review status: criteria provided, multiple submitters, no conflicts (2 of 4 stars). 2 submissions from 2 submitters: Likely pathogenic (2). Last evaluated 2024-09-21.

Conditions:
Familial hypocalciuric hypercalcemia 1. Also called: Hypercalcemia, familial benign type 1. Identifiers: Orphanet 405, Orphanet 93372, MedGen C0342637, MONDO:0007791, OMIM 145980.
Familial hypocalciuric hypercalcemia (FHH). Also called: Familial benign hypercalcemia. Identifiers: Orphanet 405, MedGen C1809471, MONDO:0018458.
Autosomal dominant hypocalcemia 1 (HYPOC1). Also called: HYPOCALCEMIA, FAMILIAL. Identifiers: MedGen C3715128, MONDO:0011013, OMIM 601198.

Submissions (2):

Victorian Clinical Genetics Services, Murdoch Childrens Research Institute
Classification: Likely pathogenic for Familial hypocalciuric hypercalcemia 1. Last evaluated: 2024-09-21. Review status: criteria provided, single submitter. Criteria: ACMG Guidelines, 2015. Collection method: clinical testing. Allele origin: germline. Inheritance: Autosomal dominant inheritance. Affected: yes.
Comment: Based on the classification scheme VCGS_Germline_v1.3.4, this variant is classified as Likely Pathogenic. Following criteria are met: 0103 - Dominant negative and loss of function are known mechanisms of disease in this gene and are associated with hypocalciuric hypercalcaemia (MIM#145980) and neonatal hyperparathyroidism (MIM#239200). Gain of function is associated with hypocalcaemia, with or without Bartter syndrome (MIM#601198) (PMID: 22422767, 26646938). (I) 0108 - This gene is associated with both recessive and dominant disease. (OMIM). (I) 0115 - Variants in this gene are known to have variable expressivity. Intrafamilial variability has been reported (PMID: 11807402). (I) 0200 - Variant is predicted to result in a missense amino acid change from alanine to valine. (I) 0251 - This variant is heterozygous. (I) 0301 - Variant is absent from gnomAD (both v2 and v3). (SP) 0502 - Missense variant with conflicting in silico predictions and uninformative conservation. (I) 0603 - Missense variant in a region that is highly intolerant to missense variation (high constraint region in DECIPHER). (SP) 0705 - No comparable missense variants have previous evidence for pathogenicity. (I) 0807 - This variant has no previous evidence of pathogenicity. (I) 0905 - No published segregation evidence has been identified for this variant. (I) 1007 - No published functional evidence has been identified for this variant. (SP) Legend: (SP) - Supporting pathogenic, (I) - Information, (SB) - Supporting benign

Labcorp Genetics (formerly Invitae), Labcorp
Classification: Likely pathogenic for Familial hypocalciuric hypercalcemia; Autosomal dominant hypocalcemia 1. Last evaluated: 2024-09-16. Review status: criteria provided, single submitter. Criteria: Invitae Variant Classification Sherloc (09022015). Collection method: clinical testing. Allele origin: germline.
Comment: This sequence change replaces alanine, which is neutral and non-polar, with valine, which is neutral and non-polar, at codon 581 of the CASR protein (p.Ala581Val). This variant is not present in population databases (gnomAD no frequency). This missense change has been observed in individual(s) with hypocalciuric hypercalcemia (internal data). In at least one individual the variant was observed to be de novo. An algorithm developed to predict the effect of missense changes on protein structure and function (PolyPhen-2) suggests that this variant is likely to be tolerated. In summary, the currently available evidence indicates that the variant is pathogenic, but additional data are needed to prove that conclusively. Therefore, this variant has been classified as Likely Pathogenic.

Literature cited by the submitters: PubMed 11807402 (cited by Victorian Clinical Genetics Services, Murdoch Childrens Research Institute); PubMed 22422767 (cited by Victorian Clinical Genetics Services, Murdoch Childrens Research Institute); PubMed 26646938 (cited by Victorian Clinical Genetics Services, Murdoch Childrens Research Institute).

NM_000388.4(CASR):c.1742C>T (p.Ala581Val)

Gene: CASR (calcium sensing receptor; plus strand). Cytogenetic location: 3q21.1.
Variant type: single nucleotide variant.
Coding change: c.1742C>T on transcript NM_000388.4 (MANE Select); coding-DNA position 1742, C replaced by T.
Protein change: p.Ala581Val; replaces alanine 581 with valine.
Molecular consequence: missense variant.
Genome position (GRCh38, 1-based): chr3:122,283,696, C>T. VCF-style: chr3-122283696-C-T. GRCh37 (hg19) VCF-style: chr3-122002543-C-T.
Other names: c.1772C>T, p.Ala591Val (NM_001178065.2); short protein forms A581V, A591V.
Identifiers: ClinVar variation 3376824 (VCV003376824.3).